The following is an entry in ClinVar:

ClinVar aggregate classification (germline): Pathogenic (1 of 4 stars; one submission).

Conditions:
Neurofibromatosis, type 1 (NF1). Also called: Neurofibromatosis, type I; Peripheral type neurofibromatosis; VON RECKLINGHAUSEN DISEASE; NEUROFIBROMATOSIS, TYPE I, SOMATIC. Identifiers: Orphanet 636, MedGen C0027831, MONDO:0018975, OMIM 162200. Disease mechanism: loss of function.

Submission:

Labcorp Genetics (formerly Invitae), Labcorp
Classification: Pathogenic for Neurofibromatosis, type 1. Last evaluated: 2023-07-08. Review status: criteria provided, single submitter. Criteria: Invitae Variant Classification Sherloc (09022015). Collection method: clinical testing. Allele origin: germline.
Comment: For these reasons, this variant has been classified as Pathogenic. This variant has not been reported in the literature in individuals affected with NF1-related conditions. This variant is not present in population databases (gnomAD no frequency). This sequence change creates a premature translational stop signal (p.Glu2587Glyfs*6) in the NF1 gene. It is expected to result in an absent or disrupted protein product. Loss-of-function variants in NF1 are known to be pathogenic (PMID: 10712197, 23913538).

Literature cited by the submitters: PubMed 10712197; PubMed 23913538.

NM_001042492.3(NF1):c.7819_7822dup (p.Glu2608fs)

Gene: NF1 (neurofibromin 1; plus strand). Cytogenetic location: 17q11.2.
Variant type: Duplication.
Coding change: c.7819_7822dup on transcript NM_001042492.3 (MANE Select); coding-DNA positions 7819 to 7822, 4 bases duplicated (GAAG; older notation c.7819_7822dupGAAG).
Protein change: p.Glu2608fs; shifts the reading frame from glutamic acid 2608.
Molecular consequence: frameshift variant.
Genome position (GRCh38, 1-based): chr17:31,357,040-31,357,043, GAAG duplicated. VCF-style (leftmost placement, unchanged base first): chr17-31357039-T-TGAAG. GRCh37 (hg19) VCF-style: chr17-29684057-T-TGAAG.
Other names: c.7756_7759dup, p.Glu2587Glyfs (NM_000267.4); short protein forms E2587fs, E2608fs.
Identifiers: ClinVar variation 2738668 (VCV002738668.3), dbSNP rs2508827674, ClinGen allele CA2697559569.
Genomic context (GRCh38, chr17:31,357,039, plus strand): 5'-ATCACAACAGCACCCACATTTACGTAAAGTTTCAGTGTCTGAATCAAATGTTCTCTTGGA[T>TGAAG]GAAGAAGTACTTACTGATCCGAAGATCCAGGCGCTGCTTCTTACTGTTCTAGTAAGGATT-3'